The following is an entry in ClinVar:

NM_000051.4(ATM):c.3014A>T (p.Asn1005Ile)

Gene: ATM (ATM serine/threonine kinase; plus strand). Cytogenetic location: 11q22.3.
Variant type: single nucleotide variant.
Coding change: c.3014A>T on transcript NM_000051.4 (MANE Select); coding-DNA position 3014, A replaced by T.
Protein change: p.Asn1005Ile; replaces asparagine 1005 with isoleucine.
Molecular consequence: missense variant.
Genome position (GRCh38, 1-based): chr11:108,271,343, A>T. VCF-style: chr11-108271343-A-T. GRCh37 (hg19) VCF-style: chr11-108142070-A-T.
Other names: c.3014A>T, p.Asn1005Ile (NM_001351834.2); short protein forms N1005I.
Identifiers: ClinVar variation 3661746 (VCV003661746.2).

ClinVar aggregate classification (germline): Uncertain significance (1 of 4 stars; one submission).

Conditions:
Ataxia-telangiectasia syndrome (AT). Also called: LOUIS-BAR SYNDROME; Cerebello-oculocutaneous telangiectasia; Immunodeficiency with ataxia telangiectasia; ATAXIA-TELANGIECTASIA, COMPLEMENTATION GROUP A; ATAXIA-TELANGIECTASIA, FRESNO VARIANT; Ataxia-telangiectasia, complementation group D. Identifiers: Orphanet 100, MedGen C0004135, MONDO:0008840, OMIM 208900.

Submission:

Labcorp Genetics (formerly Invitae), Labcorp
Classification: Uncertain significance for Ataxia-telangiectasia syndrome. Last evaluated: 2024-08-08. Review status: criteria provided, single submitter. Criteria: Invitae Variant Classification Sherloc (09022015). Collection method: clinical testing. Allele origin: germline.
Comment: This sequence change replaces asparagine, which is neutral and polar, with isoleucine, which is neutral and non-polar, at codon 1005 of the ATM protein (p.Asn1005Ile). This variant is not present in population databases (gnomAD no frequency). This variant has not been reported in the literature in individuals affected with ATM-related conditions. An algorithm developed to predict the effect of missense changes on protein structure and function (PolyPhen-2) suggests that this variant is likely to be tolerated. In summary, the available evidence is currently insufficient to determine the role of this variant in disease. Therefore, it has been classified as a Variant of Uncertain Significance.